The following is an entry in ClinVar:

ClinVar aggregate classification (germline): Uncertain significance (1 of 4 stars; one submission).

Conditions:
Melanoma, cutaneous malignant, susceptibility to, 5. Also called: Cutaneous malignant melanoma 5. Identifiers: Orphanet 618, MedGen C2751295, MONDO:0013133, OMIM 613099.

Allele frequency attached by ClinVar (database versions not stated): gnomAD exomes 0.00001 and 0.00002; TOPMed 0.00001.

Submission:

Labcorp Genetics (formerly Invitae), Labcorp
Classification: Uncertain significance for Melanoma, cutaneous malignant, susceptibility to, 5. Last evaluated: 2025-09-28. Review status: criteria provided, single submitter. Criteria: Invitae Variant Classification Sherloc (09022015). Collection method: clinical testing. Allele origin: germline.
Comment: This sequence change replaces leucine, which is neutral and non-polar, with proline, which is neutral and non-polar, at codon 48 of the MC1R protein (p.Leu48Pro). This variant is present in population databases (rs201787533, gnomAD 0.0009%). This variant has not been reported in the literature in individuals affected with MC1R-related conditions. ClinVar contains an entry for this variant (Variation ID: 857381). Invitae Evidence Modeling of protein sequence and biophysical properties (such as structural, functional, and spatial information, amino acid conservation, physicochemical variation, residue mobility, and thermodynamic stability) indicates that this missense variant is expected to disrupt MC1R protein function with a positive predictive value of 80%. In summary, the available evidence is currently insufficient to determine the role of this variant in disease. Therefore, it has been classified as a Variant of Uncertain Significance.

NM_002386.4(MC1R):c.143T>C (p.Leu48Pro)

Gene: MC1R (melanocortin 1 receptor; plus strand). Cytogenetic location: 16q24.3.
Variant type: single nucleotide variant.
Coding change: c.143T>C on transcript NM_002386.4 (MANE Select); coding-DNA position 143, T replaced by C.
Protein change: p.Leu48Pro; replaces leucine 48 with proline.
Molecular consequence: missense variant.
Genome position (GRCh38, 1-based): chr16:89,919,401, T>C. VCF-style: chr16-89919401-T-C. GRCh37 (hg19) VCF-style: chr16-89985809-T-C.
Other names: short protein forms L48P.
Identifiers: ClinVar variation 857381 (VCV000857381.9), dbSNP rs201787533, ClinGen allele CA286607392.
Genomic context (GRCh38, chr16:89,919,401, plus strand): 5'-CCAACCAGACAGGAGCCCGGTGCCTGGAGGTGTCCATCTCTGACGGGCTCTTCCTCAGCC[T>C]GGGGCTGGTGAGCTTGGTGGAGAACGCGCTGGTGGTGGCCACCATCGCCAAGAACCGGAA-3'
Protein context (NP_002377.4, residues 38-58): VSISDGLFLS[Leu48Pro]GLVSLVENAL